The following is an entry in ClinVar:

NM_014319.5(LEMD3):c.2728A>G (p.Ser910Gly)

Gene: LEMD3 (LEM domain containing 3; plus strand). Cytogenetic location: 12q14.3.
Variant type: single nucleotide variant.
Coding change: c.2728A>G on transcript NM_014319.5 (MANE Select); coding-DNA position 2728, A replaced by G.
Protein change: p.Ser910Gly; replaces serine 910 with glycine.
Molecular consequence: missense variant.
Genome position (GRCh38, 1-based): chr12:65,246,317, A>G. VCF-style: chr12-65246317-A-G. GRCh37 (hg19) VCF-style: chr12-65640097-A-G.
Other names: c.2725A>G, p.Ser909Gly (NM_001167614.2); c.2728A>G (NM_014319.4); short protein forms S910G, S909G.
Identifiers: ClinVar variation 1472367 (VCV001472367.7), dbSNP rs752543800, ClinGen allele CA6671291.

ClinVar aggregate classification (germline): Conflicting classifications of pathogenicity. Review status: criteria provided, conflicting classifications (1 of 4 stars). 2 submissions from 2 submitters: Uncertain significance (1); Likely benign (1). Last evaluated 2024-10-01.

Conditions:
Inborn genetic diseases. Identifiers: MedGen C0950123, MeSH D030342.

Allele frequency attached by ClinVar (database versions not stated): gnomAD exomes below 0.00001 and 0.00001; ExAC 0.00001; gnomAD 0.00001.
gnomAD v4.1: 15 of 1,612,156 alleles (0.00093%); highest among the groups gnomAD compares: East Asian, 0.033%; no homozygotes.

Submissions (2):

Ambry Genetics
Classification: Likely benign for Inborn genetic diseases. Last evaluated: 2024-10-01. Review status: criteria provided, single submitter. Criteria: Ambry Variant Classification Scheme 2023. Collection method: clinical testing. Allele origin: germline.

Labcorp Genetics (formerly Invitae), Labcorp
Classification: Uncertain significance. Last evaluated: 2021-10-22. Review status: criteria provided, single submitter. Criteria: Invitae Variant Classification Sherloc (09022015). Collection method: clinical testing. Allele origin: germline.
Comment: This sequence change replaces serine with glycine at codon 910 of the LEMD3 protein (p.Ser910Gly). The serine residue is weakly conserved and there is a small physicochemical difference between serine and glycine. This variant is present in population databases (rs752543800, ExAC 0.01%). This variant has not been reported in the literature in individuals affected with LEMD3-related conditions. Algorithms developed to predict the effect of missense changes on protein structure and function output the following: SIFT: "Tolerated"; PolyPhen-2: "Benign"; Align-GVGD: "Class C0". The glycine amino acid residue is found in multiple mammalian species, which suggests that this missense change does not adversely affect protein function. In summary, the available evidence is currently insufficient to determine the role of this variant in disease. Therefore, it has been classified as a Variant of Uncertain Significance.